The following is an entry in ClinVar:

NM_001126108.2(SLC12A3):c.1077C>G (p.Asn359Lys)

Gene: SLC12A3 (solute carrier family 12 member 3; plus strand). Cytogenetic location: 16q13.
Variant type: single nucleotide variant.
Coding change: c.1077C>G on transcript NM_001126108.2 (MANE Select); coding-DNA position 1077, C replaced by G.
Protein change: p.Asn359Lys; replaces asparagine 359 with lysine.
Molecular consequence: missense variant.
Genome position (GRCh38, 1-based): chr16:56,872,768, C>G. VCF-style: chr16-56872768-C-G. GRCh37 (hg19) VCF-style: chr16-56906680-C-G.
Other names: c.1077C>G, p.Asn359Lys (NM_000339.3); c.1074C>G, p.Asn358Lys (NM_001126107.2); short protein forms N358K, N359K.
Identifiers: ClinVar variation 943091 (VCV000943091.16), dbSNP rs181865675, ClinGen allele CA281498273.

ClinVar aggregate classification (germline): Pathogenic. Review status: criteria provided, multiple submitters, no conflicts (2 of 4 stars). 4 submissions from 4 submitters: Pathogenic (4). Last evaluated 2025-06-13.

Conditions:
Familial hypokalemia-hypomagnesemia (GTLMNS). Also called: gitelman syndrome; POTASSIUM AND MAGNESIUM DEPLETION; HYPOMAGNESEMIA-HYPOKALEMIA, PRIMARY RENOTUBULAR, WITH HYPOCALCIURIA. Identifiers: Orphanet 358, MedGen C0268450, MONDO:0009904, OMIM 263800.

Allele frequency attached by ClinVar (database versions not stated): gnomAD exomes below 0.00001; gnomAD 0.00001; 1000 Genomes Project 30x 0.00016; 1000 Genomes Project 0.00020.
gnomAD v4.1: 3 of 1,614,252 alleles (0.00019%); highest among the groups gnomAD compares: East Asian, 0.0067%; no homozygotes.

Submissions (4):

Natera, Inc.
Classification: Pathogenic for Gitelman syndrome. Last evaluated: 2025-06-13. Review status: criteria provided, single submitter. Criteria: Natera Variant Classification Schema (03/2026). Collection method: clinical testing. Allele origin: germline.
Comment: The c.1077C>G variant in SLC12A3 is a missense variant predicted to cause substitution of asparagine to lysine at amino acid 359. This variant is rare in the general population with a frequency below the threshold expected for the associated phenotype(s). This variant has been observed in one or more individuals affected with the associated recessive disease, as either homozygous or compound heterozygous with a second variant (PMID: 26825084, 32542819). Computational prediction algorithms indicate this variant is likely to affect gene or protein function. Given the available evidence, this variant is classified as Pathogenic.

Fulgent Genetics
Classification: Pathogenic for Familial hypokalemia-hypomagnesemia. Last evaluated: 2024-01-29. Review status: criteria provided, single submitter. Criteria: ACMG Guidelines, 2015. Collection method: clinical testing. Allele origin: germline.

Labcorp Genetics (formerly Invitae), Labcorp
Classification: Pathogenic. Last evaluated: 2023-05-22. Review status: criteria provided, single submitter. Criteria: Invitae Variant Classification Sherloc (09022015). Collection method: clinical testing. Allele origin: germline.
Comment: This missense change has been observed in individual(s) with Gitelman syndrome (PMID: 19207868, 26825084, 30413979, 30596175). In at least one individual the data is consistent with being in trans (on the opposite chromosome) from a pathogenic variant. For these reasons, this variant has been classified as Pathogenic. Advanced modeling of protein sequence and biophysical properties (such as structural, functional, and spatial information, amino acid conservation, physicochemical variation, residue mobility, and thermodynamic stability) performed at Invitae indicates that this missense variant is expected to disrupt SLC12A3 protein function. ClinVar contains an entry for this variant (Variation ID: 943091). This variant is not present in population databases (gnomAD no frequency). This sequence change replaces asparagine, which is neutral and polar, with lysine, which is basic and polar, at codon 359 of the SLC12A3 protein (p.Asn359Lys).

Juno Genomics, Hangzhou Juno Genomics, Inc
Classification: Pathogenic for Familial hypokalemia-hypomagnesemia. Review status: criteria provided, single submitter. Criteria: ACMG Guidelines, 2015. Collection method: clinical testing. Allele origin: germline.
Comment: Absent from controls (or at extremely low frequency if recessive) in Genome Aggregation Database.;Multiple lines of computational evidence support a deleterious effect on the gene or gene product.;For recessive disorders, detected in trans with a pathogenic variant.;Co-segregation with disease in multiple affected family members.;Patient's phenotype or family history is highly specific for a disease with a single genetic etiology.

Literature cited by the submitters: PubMed 26825084 (cited by Natera, Inc. and Labcorp Genetics (formerly Invitae), Labcorp); PubMed 32542819 (cited by Natera, Inc.); PubMed 19207868 (cited by Labcorp Genetics (formerly Invitae), Labcorp); PubMed 30413979 (cited by Labcorp Genetics (formerly Invitae), Labcorp); PubMed 30596175 (cited by Labcorp Genetics (formerly Invitae), Labcorp).